The following is an entry in ClinVar:

ClinVar aggregate classification (germline): Uncertain significance (1 of 4 stars; one submission).

Conditions:
Glycogen storage disease IXd (GSD9D). Also called: Muscle Phosphorylase Kinase Deficiency; GSD IXd. Identifiers: Orphanet 715, MedGen C1845151, MONDO:0010362, OMIM 300559.

gnomAD v4.1: 1 of 1,211,828 alleles (0.000083%); highest among the groups gnomAD compares: Non-Finnish European, 0.00011%; no homozygotes.

Submission:

Labcorp Genetics (formerly Invitae), Labcorp
Classification: Uncertain significance for Glycogen storage disease IXd. Last evaluated: 2024-03-18. Review status: criteria provided, single submitter. Criteria: Invitae Variant Classification Sherloc (09022015). Collection method: clinical testing. Allele origin: germline.
Comment: This sequence change replaces threonine, which is neutral and polar, with alanine, which is neutral and non-polar, at codon 563 of the PHKA1 protein (p.Thr563Ala). This variant is not present in population databases (gnomAD no frequency). This variant has not been reported in the literature in individuals affected with PHKA1-related conditions. Advanced modeling of protein sequence and biophysical properties (such as structural, functional, and spatial information, amino acid conservation, physicochemical variation, residue mobility, and thermodynamic stability) performed at Invitae indicates that this missense variant is expected to disrupt PHKA1 protein function with a positive predictive value of 80%. In summary, the available evidence is currently insufficient to determine the role of this variant in disease. Therefore, it has been classified as a Variant of Uncertain Significance.

NM_002637.4(PHKA1):c.1687A>G (p.Thr563Ala)

Gene: PHKA1 (phosphorylase kinase regulatory subunit alpha 1; minus strand). Cytogenetic location: Xq13.1.
Variant type: single nucleotide variant.
Coding change: c.1687A>G on transcript NM_002637.4 (MANE Select); coding-DNA position 1687, A replaced by G.
Protein change: p.Thr563Ala; replaces threonine 563 with alanine.
Molecular consequence: missense variant.
Genome position (GRCh38, 1-based): chrX:72,635,182, T>C on the plus strand (A>G on the coding strand, the complement: PHKA1 is on the minus strand). VCF-style: chrX-72635182-T-C. GRCh37 (hg19) VCF-style: chrX-71855032-T-C.
Other names: c.1687A>G, p.Thr563Ala (NM_001122670.2, NM_001172436.2, NM_001431068.1); short protein forms T563A.
Identifiers: ClinVar variation 3628643 (VCV003628643.2).